The following is an entry in ClinVar:

ClinVar aggregate classification (germline): Uncertain significance (1 of 4 stars; one submission).

Submission:

Women's Health and Genetics/Laboratory Corporation of America, LabCorp
Classification: Uncertain significance. Last evaluated: 2024-05-16. Review status: criteria provided, single submitter. Criteria: LabCorp Variant Classification Summary - May 2015. Collection method: clinical testing. Allele origin: germline.
Comment: Variant summary: NR4A2 c.1147G>A (p.Asp383Asn) results in a conservative amino acid change located in the Nuclear hormone receptor, ligand-binding domain (IPR000536) of the encoded protein sequence. Four of five in-silico tools predict a benign effect of the variant on protein function. The variant was absent in 207216 control chromosomes. The available data on variant occurrences in the general population are insufficient to allow any conclusion about variant significance. To our knowledge, no occurrence of c.1147G>A in individuals affected with Intellectual Developmental Disorder With Language Impairment And Early-Onset DOPA-Responsive Dystonia-Parkinsonism and no experimental evidence demonstrating its impact on protein function have been reported. No submitters have cited clinical-significance assessments for this variant to ClinVar. Based on the evidence outlined above, the variant was classified as uncertain significance.

NM_006186.4(NR4A2):c.1147G>A (p.Asp383Asn)

Gene: NR4A2 (nuclear receptor subfamily 4 group A member 2; minus strand). Cytogenetic location: 2q24.1.
Variant type: single nucleotide variant.
Coding change: c.1147G>A on transcript NM_006186.4 (MANE Select); coding-DNA position 1147, G replaced by A.
Protein change: p.Asp383Asn; replaces aspartic acid 383 with asparagine.
Molecular consequence: missense variant.
Genome position (GRCh38, 1-based): chr2:156,327,862, C>T on the plus strand (G>A on the coding strand, the complement: NR4A2 is on the minus strand). VCF-style: chr2-156327862-C-T. GRCh37 (hg19) VCF-style: chr2-157184374-C-T.
Other names: c.958G>A, p.Asp320Asn (NM_173173.3); short protein forms D320N, D383N.
Identifiers: ClinVar variation 3336538 (VCV003336538.1).
Genomic context (GRCh38, chr2:156,327,862, plus strand): 5'-GCCCATCTGTCGGTTTGTCCACATGATATCCCCCCCGCCAGCTTCTTACCCTGGAATAGT[C>T]CAGGCTGGTCATAGCCGGGTTGGAGTCGACATGGGCCCTGACGAGGGCACTGATCAGACT-3'
Protein context (NP_006177.1, residues 373-393): VDSNPAMTSL[Asp383Asn]YSRFQANPDY